The following is an entry in ClinVar:

NM_020247.5(COQ8A):c.1800C>T (p.Val600=)

Gene: COQ8A (coenzyme Q8A; plus strand). Cytogenetic location: 1q42.13.
Variant type: single nucleotide variant.
Coding change: c.1800C>T on transcript NM_020247.5 (MANE Select); coding-DNA position 1800, C replaced by T.
Protein change: p.Val600=; no amino-acid change (valine 600 retained).
Molecular consequence: synonymous variant.
Genome position (GRCh38, 1-based): chr1:226,986,593, C>T. VCF-style: chr1-226986593-C-T. GRCh37 (hg19) VCF-style: chr1-227174294-C-T.
Identifiers: ClinVar variation 296028 (VCV000296028.14), dbSNP rs74589348, ClinGen allele CA1425673.

ClinVar aggregate classification (germline): Conflicting classifications of pathogenicity. Review status: criteria provided, conflicting classifications (1 of 4 stars). 4 submissions from 4 submitters: Uncertain significance (1); Likely benign (3). Last evaluated 2026-01-22.

Conditions:
Autosomal recessive ataxia due to ubiquinone deficiency. Also called: SPINOCEREBELLAR ATAXIA, AUTOSOMAL RECESSIVE 9; Coenzyme Q10 deficiency, primary, 4. Identifiers: Orphanet 139485, MedGen C2677589, MONDO:0012784, OMIM 612016.

Allele frequency attached by ClinVar (database versions not stated): TOPMed 0.00011.
gnomAD v4.1: 159 of 1,613,720 alleles (0.0099%); highest among the groups gnomAD compares: Non-Finnish European, 0.013%; no homozygotes.

Submissions (4):

Labcorp Genetics (formerly Invitae), Labcorp
Classification: Likely benign. Last evaluated: 2026-01-22. Review status: criteria provided, single submitter. Criteria: Invitae Variant Classification Sherloc (09022015). Collection method: clinical testing. Allele origin: germline.

Blueprint Genetics
Classification: Likely benign. Last evaluated: 2020-02-12. Review status: criteria provided, single submitter. Criteria: ACMG Guidelines, 2015. Collection method: clinical testing. Allele origin: germline.

GeneDx
Classification: Likely benign. Last evaluated: 2018-01-17. Review status: criteria provided, single submitter. Criteria: GeneDx Variant Classification (06012015). Collection method: clinical testing. Allele origin: germline. Affected: yes.
Comment: This variant is considered likely benign or benign based on one or more of the following criteria: it is a conservative change, it occurs at a poorly conserved position in the protein, it is predicted to be benign by multiple in silico algorithms, and/or has population frequency not consistent with disease.

Illumina Laboratory Services, Illumina
Classification: Uncertain significance for Autosomal recessive ataxia due to ubiquinone deficiency. Last evaluated: 2018-01-13. Review status: criteria provided, single submitter. Criteria: ICSL Variant Classification Criteria 13 December 2019. Collection method: clinical testing. Allele origin: germline.